The following is an entry in ClinVar:

ClinVar aggregate classification (germline): Pathogenic. Review status: criteria provided, multiple submitters, no conflicts (2 of 4 stars). 2 submissions from 2 submitters: Pathogenic (2). Last evaluated 2024-01-08.

Conditions:
Mowat-Wilson syndrome (MOWS). Also called: Classic Mowat-Wilson Syndrome. Identifiers: Orphanet 2152, MedGen C1856113, MONDO:0009341, OMIM 235730.

Submissions (2):

GeneDx
Classification: Pathogenic. Last evaluated: 2024-01-08. Review status: criteria provided, single submitter. Criteria: GeneDx Variant Classification Process June 2021. Collection method: clinical testing. Allele origin: germline. Affected: yes.
Comment: Canonical splice site variant predicted to result in a null allele in a gene for which loss of function is a known mechanism of disease; Not observed at significant frequency in large population cohorts (gnomAD); This variant is associated with the following publications: (PMID: 25525159, 12784289, 35719373)

3billion
Classification: Pathogenic for Mowat-Wilson syndrome. Last evaluated: 2021-10-02. Review status: criteria provided, single submitter. Criteria: ACMG Guidelines, 2015. Collection method: clinical testing. Allele origin: germline. Affected: yes. Observed: 1 heterozygote.
Comment: Canonical splice site: predicted to alter splicing and result in a loss or disruption of normal protein function through nonsense-mediated decay (NMD) or protein truncation. Multiple pathogenic variants are reported downstream of the variant (PVS1_VS). The variant was observed as assumed (i.e. paternity and maternity not confirmed) de novoo (3billion dataset, PM6). It is not observed in the gnomAD v2.1.1 dataset (PM2). Therefore, this variant is classified as pathogenic according to the recommendation of ACMG/AMP guideline.

NM_014795.4(ZEB2):c.73+1G>A

Gene: ZEB2 (zinc finger E-box binding homeobox 2; minus strand). Cytogenetic location: 2q22.3.
Variant type: single nucleotide variant.
Coding change: c.73+1G>A on transcript NM_014795.4 (MANE Select); the canonical splice donor site of the intron after coding-DNA position 73, G replaced by A.
Molecular consequence: splice donor variant.
Genome position (GRCh38, 1-based): chr2:144,517,277, C>T on the plus strand (G>A on the coding strand, the complement: ZEB2 is on the minus strand). VCF-style: chr2-144517277-C-T. GRCh37 (hg19) VCF-style: chr2-145274844-C-T.
Other names: c.73+1G>A (NM_001171653.2).
Identifiers: ClinVar variation 1320072 (VCV001320072.2), dbSNP rs2149935109, ClinGen allele CA348858292.